The following is an entry in ClinVar:

NM_014363.6(SACS):c.11116A>G (p.Ile3706Val)

Gene: SACS (sacsin molecular chaperone; minus strand). Cytogenetic location: 13q12.12.
Variant type: single nucleotide variant.
Coding change: c.11116A>G on transcript NM_014363.6 (MANE Select); coding-DNA position 11116, A replaced by G.
Protein change: p.Ile3706Val; replaces isoleucine 3706 with valine.
Molecular consequence: missense variant.
Genome position (GRCh38, 1-based): chr13:23,332,760, T>C on the plus strand (A>G on the coding strand, the complement: SACS is on the minus strand). VCF-style: chr13-23332760-T-C. GRCh37 (hg19) VCF-style: chr13-23906899-T-C.
Other names: p.Ile3706Val; c.10675A>G, p.Ile3559Val (NM_001278055.2); short protein forms I3559V, I3706V.
Identifiers: ClinVar variation 938832 (VCV000938832.7), dbSNP rs748237614, ClinGen allele CA6910338.
Genomic context (GRCh38, chr13:23,332,760, plus strand): 5'-GACCAAGGTCACTACCTTCTTGTTCTTTAATGCTTAAGGGTGTAGCTTTCTCTGGAAGAA[T>C]AGGGCAGGATGTCCATAACAGCTGGAGTACATCACATTGCTTGAATTTTGGATTTACCTG-3'
Protein context (NP_055178.3, residues 3696-3716): VLQLLWTSCP[Ile3706Val]LPEKATPLSI

ClinVar aggregate classification (germline): Conflicting classifications of pathogenicity. Review status: criteria provided, conflicting classifications (1 of 4 stars). 3 submissions from 3 submitters: Uncertain significance (1); Likely benign (1). 1 of the submissions does not count toward it. Last evaluated 2025-12-08.

Conditions:
Charlevoix-Saguenay spastic ataxia (SACS). Also called: SPASTIC ATAXIA 6, AUTOSOMAL RECESSIVE; Spastic ataxia of Charlevoix-Saguenay; AUTOSOMAL RECESSIVE SPASTIC ATAXIA OF CHARLEVOIX-SAGUENAY. Identifiers: Orphanet 98, MedGen C1849140, MONDO:0010041, OMIM 270550.
Spastic paraplegia. Identifiers: MedGen C0037772, HP:0001258.

Allele frequency attached by ClinVar (database versions not stated): gnomAD exomes below 0.00001; TOPMed below 0.00001; gnomAD 0.00001; ExAC 0.00002.
gnomAD v4.1: 6 of 1,613,886 alleles (0.00037%); highest among the groups gnomAD compares: East Asian, 0.0067%; no homozygotes.

Submissions (3):

Labcorp Genetics (formerly Invitae), Labcorp
Classification: Likely benign for Spastic paraplegia. Last evaluated: 2025-12-08. Review status: criteria provided, single submitter. Criteria: Invitae Variant Classification Sherloc (09022015). Collection method: clinical testing. Allele origin: germline.

Mayo Clinic Laboratories, Mayo Clinic
Classification: Uncertain significance. Last evaluated: 2025-06-09. Review status: criteria provided, single submitter. Criteria: ACMG Guidelines, 2015. Collection method: clinical testing. Allele origin: germline. Observed: 1 variant allele.
Comment: BP4, PM2_supporting

Natera, Inc.
Classification: Uncertain significance for Charlevoix-Saguenay type spastic ataxia. Last evaluated: 2021-06-17. Review status: no assertion criteria provided. Collection method: clinical testing. Allele origin: germline. Not counted in ClinVar's aggregate classification.